The following is an entry in ClinVar:

NM_001080467.3(MYO5B):c.5411G>A (p.Arg1804Gln)

Genes: MYO5B (myosin VB; minus strand), SNHG22 (small nucleolar RNA host gene 22; plus strand). Cytogenetic location: 18q21.1.
Variant type: single nucleotide variant.
Coding change: c.5411G>A on transcript NM_001080467.3 (MANE Select); coding-DNA position 5411, G replaced by A.
Protein change: p.Arg1804Gln; replaces arginine 1804 with glutamine.
Molecular consequence: missense variant.
Genome position (GRCh38, 1-based): chr18:49,826,607, C>T on the plus strand (G>A on the coding strand, the complement: MYO5B is on the minus strand). VCF-style: chr18-49826607-C-T. GRCh37 (hg19) VCF-style: chr18-47352977-C-T.
Other names: short protein forms R1804Q.
Identifiers: ClinVar variation 1928548 (VCV001928548.3), dbSNP rs201080553, ClinGen allele CA8960039.

ClinVar aggregate classification (germline): Uncertain significance. Review status: criteria provided, multiple submitters, no conflicts (2 of 4 stars). 2 submissions from 2 submitters: Uncertain significance (2). Last evaluated 2023-05-15.

gnomAD v4.1: 69 of 1,613,216 alleles (0.0043%); highest among the groups gnomAD compares: South Asian, 0.013%; no homozygotes.

Submissions (2):

Blueprint Genetics
Classification: Uncertain significance. Last evaluated: 2023-05-15. Review status: criteria provided, single submitter. Criteria: ACMG Guidelines, 2015. Collection method: clinical testing. Allele origin: germline.

Labcorp Genetics (formerly Invitae), Labcorp
Classification: Uncertain significance. Last evaluated: 2022-06-22. Review status: criteria provided, single submitter. Criteria: Invitae Variant Classification Sherloc (09022015). Collection method: clinical testing. Allele origin: germline.
Comment: This sequence change replaces arginine, which is basic and polar, with glutamine, which is neutral and polar, at codon 1804 of the MYO5B protein (p.Arg1804Gln). The frequency data for this variant in the population databases is considered unreliable, as metrics indicate poor data quality at this position in the gnomAD database. This variant has not been reported in the literature in individuals affected with MYO5B-related conditions. Algorithms developed to predict the effect of missense changes on protein structure and function are either unavailable or do not agree on the potential impact of this missense change (SIFT: "Deleterious"; PolyPhen-2: "Probably Damaging"; Align-GVGD: "Class C0"). In summary, the available evidence is currently insufficient to determine the role of this variant in disease. Therefore, it has been classified as a Variant of Uncertain Significance.